The following is an entry in ClinVar:

NM_001943.5(DSG2):c.2768C>T (p.Pro923Leu)

Genes: DSG2-AS1 (DSG2 antisense RNA 1; minus strand), DSG2 (desmoglein 2; plus strand). Cytogenetic location: 18q12.1.
Variant type: single nucleotide variant.
Coding change: c.2768C>T on transcript NM_001943.5 (MANE Select); coding-DNA position 2768, C replaced by T.
Protein change: p.Pro923Leu; replaces proline 923 with leucine.
Molecular consequence: missense variant.
Genome position (GRCh38, 1-based): chr18:31,546,154, C>T. VCF-style: chr18-31546154-C-T. GRCh37 (hg19) VCF-style: chr18-29126117-C-T.
Other names: short protein forms P923L.
Identifiers: ClinVar variation 3386607 (VCV003386607.1).

ClinVar aggregate classification (germline): Uncertain significance (1 of 4 stars; one submission).

Conditions:
Arrhythmogenic right ventricular cardiomyopathy (ARVD). Also called: Arrhythmogenic right ventricular dysplasia; Cardiomyopathy, ARVC; Arrhythmogenic cardiomyopathy; Arrhythmogenic Right Ventricular Cardiomyopathy (ARVC). Identifiers: Orphanet 247, MedGen C0349788, MeSH D019571, MONDO:0016587. Disease mechanism: loss of function. Inheritance: Various modes of inheritance.

Submission:

All of Us Research Program, National Institutes of Health
Classification: Uncertain significance for Arrhythmogenic right ventricular cardiomyopathy. Last evaluated: 2024-07-20. Review status: criteria provided, single submitter. Criteria: ACMG Guidelines, 2015. Collection method: clinical testing. Allele origin: germline. Inheritance: Autosomal dominant inheritance. Observed: 1 variant allele, 1 heterozygote.
Comment: This missense variant replaces proline with leucine at codon 923 of the DSG2 protein. Computational prediction suggests that this variant may not impact protein structure and function (internally defined REVEL score threshold <= 0.5, PMID: 27666373). To our knowledge, functional studies have not been reported for this variant. This variant has not been reported in individuals affected with DSG2-related disorders in the literature. This variant has not been identified in the general population by the Genome Aggregation Database (gnomAD). The available evidence is insufficient to determine the role of this variant in disease conclusively. Therefore, this variant is classified as a Variant of Uncertain Significance.

This study involves interpretation of variants in research participants for the purpose of population health screening. Participant phenotype was not available at the time of variant classification. Additional details can be found in publication PMID: 35346344, PMCID: PMC8962531